The following is an entry in ClinVar:

NM_002137.4(HNRNPA2B1):c.980_986del (p.Gly327fs)

Gene: HNRNPA2B1 (heterogeneous nuclear ribonucleoprotein A2/B1; minus strand). Cytogenetic location: 7p15.2.
Variant type: Deletion.
Coding change: c.980_986del on transcript NM_002137.4 (MANE Select); coding-DNA positions 980 to 986, 7 bases deleted (GAGGCAG; older notation c.980_986delGAGGCAG).
Protein change: p.Gly327fs; shifts the reading frame from glycine 327.
Molecular consequence: frameshift variant.
Genome position (GRCh38, 1-based): chr7:26,192,556-26,192,562, CTGCCTC deleted on the plus strand (GAGGCAG on the coding strand, the reverse complement: HNRNPA2B1 is on the minus strand); deleting any 7 consecutive bases within chr7:26,192,556-26,192,565 gives the same sequence; the c. name uses the placement nearest the transcript's 3' end. VCF-style (leftmost placement, unchanged base first): chr7-26192555-ACTGCCTC-A. GRCh37 (hg19) VCF-style: chr7-26232175-ACTGCCTC-A.
Other names: c.1013_1019delCAGGAGG, p.Gly339Valfs (NM_031243.4); short protein forms G327fs, G339fs.
Identifiers: ClinVar variation 2008303 (VCV002008303.7), dbSNP rs1783016641, ClinGen allele CA1695793174.

ClinVar aggregate classification (germline): Uncertain significance. Review status: criteria provided, multiple submitters, no conflicts (2 of 4 stars). 2 submissions from 2 submitters: Uncertain significance (2). Last evaluated 2022-06-19.

Conditions:
Inclusion body myopathy with early-onset Paget disease with or without frontotemporal dementia 2 (IBMPFD2). Also called: MULTISYSTEM PROTEINOPATHY 2. Identifiers: MedGen C3809468, MONDO:0014178, OMIM 615422.

Submissions (2):

Labcorp Genetics (formerly Invitae), Labcorp
Classification: Uncertain significance for Inclusion body myopathy with early-onset Paget disease with or without frontotemporal dementia 2. Last evaluated: 2022-06-19. Review status: criteria provided, single submitter. Criteria: Invitae Variant Classification Sherloc (09022015). Collection method: clinical testing. Allele origin: germline.
Comment: This variant has not been reported in the literature in individuals affected with HNRNPA2B1-related conditions. This variant is not present in population databases (gnomAD no frequency). This sequence change results in a frameshift in the HNRNPA2B1 gene (p.Gly339Valfs*30). While this is not anticipated to result in nonsense mediated decay, it is expected to disrupt the last 15 amino acid(s) of the HNRNPA2B1 protein and extend the protein by 14 additional amino acid residues. Experimental studies and prediction algorithms are not available or were not evaluated, and the functional significance of this variant is currently unknown. In summary, the available evidence is currently insufficient to determine the role of this variant in disease. Therefore, it has been classified as a Variant of Uncertain Significance.

Revvity Omics, Revvity
Classification: Uncertain significance. Last evaluated: 2019-10-29. Review status: criteria provided, single submitter. Criteria: ACMG Guidelines, 2015. Collection method: clinical testing. Allele origin: germline.